The following is an entry in ClinVar:

NM_000748.3(CHRNB2):c.49C>T (p.Leu17Phe)

Gene: CHRNB2 (cholinergic receptor nicotinic beta 2 subunit; plus strand). Cytogenetic location: 1q21.3.
Variant type: single nucleotide variant.
Coding change: c.49C>T on transcript NM_000748.3 (MANE Select); coding-DNA position 49, C replaced by T.
Protein change: p.Leu17Phe; replaces leucine 17 with phenylalanine.
Molecular consequence: missense variant.
Genome position (GRCh38, 1-based): chr1:154,568,093, C>T. VCF-style: chr1-154568093-C-T. GRCh37 (hg19) VCF-style: chr1-154540569-C-T.
Other names: short protein forms L17F.
Identifiers: ClinVar variation 4777128 (VCV004777128.1).
Genomic context (GRCh38, chr1:154,568,093, plus strand): 5'-TATGCCCGCGGCATGGCCCGGCGCTGCGGCCCCGTGGCGCTGCTCCTTGGCTTCGGCCTC[C>T]TCCGGCTGTGCTCAGGTAAGGGAAAGACGGGCACTGGCCAGGTTCTCCTACCCCAGCCAA-3'
Protein context (NP_000739.1, residues 7-27): PVALLLGFGL[Leu17Phe]RLCSGVWGTD

ClinVar aggregate classification (germline): Uncertain significance (1 of 4 stars; one submission).

Conditions:
Familial sleep-related hypermotor epilepsy. Also called: Autosomal Dominant Sleep-Related Hypermotor (Hyperkinetic) Epilepsy. Identifiers: Orphanet 98784, MedGen C3696898, MONDO:0000030.

gnomAD v4.1: 9 of 1,604,006 alleles (0.00056%); highest among the groups gnomAD compares: African/African-American, 0.0013%; no homozygotes.

Submission:

Labcorp Genetics (formerly Invitae), Labcorp
Classification: Uncertain significance. Last evaluated: 2025-03-19. Review status: criteria provided, single submitter. Criteria: Invitae Variant Classification Sherloc (09022015). Collection method: clinical testing. Allele origin: germline.
Comment: This sequence change replaces leucine, which is neutral and non-polar, with phenylalanine, which is neutral and non-polar, at codon 17 of the CHRNB2 protein (p.Leu17Phe). This variant is present in population databases (rs773898286, gnomAD 0.008%). This variant has not been reported in the literature in individuals affected with CHRNB2-related conditions. Invitae Evidence Modeling of protein sequence and biophysical properties (such as structural, functional, and spatial information, amino acid conservation, physicochemical variation, residue mobility, and thermodynamic stability) indicates that this missense variant is not expected to disrupt CHRNB2 protein function with a negative predictive value of 95%. In summary, the available evidence is currently insufficient to determine the role of this variant in disease. Therefore, it has been classified as a Variant of Uncertain Significance.